The following is an entry in ClinVar:

NM_014975.3(MAST1):c.2596C>T (p.Pro866Ser)

Gene: MAST1 (microtubule associated serine/threonine kinase 1; plus strand). Cytogenetic location: 19p13.13.
Variant type: single nucleotide variant.
Coding change: c.2596C>T on transcript NM_014975.3 (MANE Select); coding-DNA position 2596, C replaced by T.
Protein change: p.Pro866Ser; replaces proline 866 with serine.
Molecular consequence: missense variant.
Genome position (GRCh38, 1-based): chr19:12,868,672, C>T. VCF-style: chr19-12868672-C-T. GRCh37 (hg19) VCF-style: chr19-12979486-C-T.
Other names: short protein forms P866S.
Identifiers: ClinVar variation 3257331 (VCV003257331.17).
Genomic context (GRCh38, chr19:12,868,672, plus strand): 5'-TAATTCCTAACACACTTGCTTTCTGTTGCAGCTGACCGTCCACGCCCAGGTGACCTCTGC[C>T]CACCCTCGAAGGATGGGGATGCATCAGGCCCAAGGGCTACCAATGACTTGGTTCTGCGCC-3'
Protein context (NP_055790.1, residues 856-876): TDRPRPGDLC[Pro866Ser]PSKDGDASGP

ClinVar aggregate classification (germline): Uncertain significance (1 of 4 stars; one submission).

Submission:

CeGaT Center for Human Genetics Tuebingen
Classification: Uncertain significance. Last evaluated: 2024-07-01. Review status: criteria provided, single submitter. Criteria: CeGaT Center For Human Genetics Tuebingen Variant Classification Criteria Version 2. Collection method: clinical testing. Allele origin: germline. Affected: yes. Observed: 1 variant allele.
Comment: MAST1: PM2, BP4